The following is an entry in ClinVar:

NM_000503.6(EYA1):c.1248dup (p.Asn417Ter)

Gene: EYA1 (EYA transcriptional coactivator and phosphatase 1; minus strand). Cytogenetic location: 8q13.3.
Variant type: Duplication.
Coding change: c.1248dup on transcript NM_000503.6 (MANE Select); coding-DNA position 1248, one base duplicated (T; older notation c.1248dupT).
Protein change: p.Asn417Ter; replaces asparagine 417 with a stop codon.
Molecular consequence: nonsense. On other transcripts: frameshift variant (2).
Genome position (GRCh38, 1-based): chr8:71,216,804, A duplicated on the plus strand (T on the coding strand, the reverse complement: EYA1 is on the minus strand). VCF-style (leftmost placement, unchanged base first): chr8-71216803-T-TA. GRCh37 (hg19) VCF-style: chr8-72129038-T-TA.
Other names: c.1230dup, p.Asn411Ter (NM_001288574.2, NM_172059.5); c.882dup, p.Asn295Ter (NM_001288575.2); c.1335dup, p.Asn446Ter (NM_001370333.1); c.1248dup, p.Asn417Ter (NM_001370334.1, NM_001370335.1, NM_172058.4); c.1227dup, p.Asn410Ter (NM_001370336.1); c.1149dup, p.Asn384Terfs (NM_001411797.1, NM_172060.4); short protein forms N295*, N411*, N417*, N446*, N410*.
Identifiers: ClinVar variation 1998220 (VCV001998220.4), dbSNP rs2537300215, ClinGen allele CA2580078934.

ClinVar aggregate classification (germline): Pathogenic (1 of 4 stars; one submission).

Conditions:
Melnick-Fraser syndrome (BOR). Also called: Branchio-oto-renal syndrome; Branchiootorenal Syndrome (BORS); Branchiootorenal syndrome. Identifiers: Orphanet 107, MedGen C0265234, MONDO:0007029.

Submission:

Labcorp Genetics (formerly Invitae), Labcorp
Classification: Pathogenic for Melnick-Fraser syndrome. Last evaluated: 2021-11-26. Review status: criteria provided, single submitter. Criteria: Invitae Variant Classification Sherloc (09022015). Collection method: clinical testing. Allele origin: germline.
Comment: This sequence change creates a premature translational stop signal (p.Asn417*) in the EYA1 gene. It is expected to result in an absent or disrupted protein product. Loss-of-function variants in EYA1 are known to be pathogenic (PMID: 10464653, 18220287). This variant is not present in population databases (gnomAD no frequency). This variant has not been reported in the literature in individuals affected with EYA1-related conditions. For these reasons, this variant has been classified as Pathogenic.

Literature cited by the submitters: PubMed 10464653; PubMed 18220287.